The following is an entry in ClinVar:

NM_172107.4(KCNQ2):c.1666A>G (p.Lys556Glu)

Gene: KCNQ2 (potassium voltage-gated channel subfamily Q member 2; minus strand). Cytogenetic location: 20q13.33.
Variant type: single nucleotide variant.
Coding change: c.1666A>G on transcript NM_172107.4 (MANE Select); coding-DNA position 1666, A replaced by G.
Protein change: p.Lys556Glu; replaces lysine 556 with glutamic acid.
Molecular consequence: missense variant.
Genome position (GRCh38, 1-based): chr20:63,413,547, T>C on the plus strand (A>G on the coding strand, the complement: KCNQ2 is on the minus strand). VCF-style: chr20-63413547-T-C. GRCh37 (hg19) VCF-style: chr20-62044900-T-C.
Other names: c.1582A>G, p.Lys528Glu (NM_004518.6); c.1612A>G, p.Lys538Glu (NM_172106.3); c.1573A>G, p.Lys525Glu (NM_172108.5); short protein forms K556E, K525E, K528E, K538E.
Identifiers: ClinVar variation 205914 (VCV000205914.9), dbSNP rs1555853593, ClinGen allele CA315468.
Genomic context (GRCh38, chr20:63,413,547, plus strand): 5'-GGTGGCCGGCTGAGTACTGCTCGATGACGTCCATCACGTCGTAGGGCCGCAGGCTCTCCT[T>C]GAACTTCCGCTTGGACACCAGGAACCGCATGACACTGCAGGGGGGTGGGTGGGGCTGTGA-3'
Protein context (NP_742105.1, residues 546-566): MRFLVSKRKF[Lys556Glu]ESLRPYDVMD

ClinVar aggregate classification (germline): Pathogenic. Review status: criteria provided, single submitter (1 of 4 stars). 2 submissions from 2 submitters: Pathogenic (1). 1 of the submissions does not count toward it. Last evaluated 2022-07-11.

Conditions:
Early-infantile DEE. Also called: Ohtahara syndrome; Early infantile epileptic encephalopathy; Early infantile epileptic encephalopathy with suppression bursts. Identifiers: Orphanet 1934, MedGen C0393706, MONDO:0800491.
Developmental and epileptic encephalopathy, 7 (DEE7). Also called: KCNQ2-Related Neonatal Epileptic Encephalopathy; Early infantile epileptic encephalopathy 7; KCNQ2-Related Neonatal-Onset Developmental and Epileptic Encephalopathy (NEO-DEE). Identifiers: Orphanet 439218, MedGen C3150986, MONDO:0013387, OMIM 613720.

Submissions (2):

Labcorp Genetics (formerly Invitae), Labcorp
Classification: Pathogenic for Early-infantile DEE. Last evaluated: 2022-07-11. Review status: criteria provided, single submitter. Criteria: Invitae Variant Classification Sherloc (09022015). Collection method: clinical testing. Allele origin: germline.
Comment: This sequence change replaces lysine, which is basic and polar, with glutamic acid, which is acidic and polar, at codon 556 of the KCNQ2 protein (p.Lys556Glu). This variant is not present in population databases (gnomAD no frequency). This missense change has been observed in individual(s) with neonatal epileptic encephalopathy (PMID: 24107868). In at least one individual the variant was observed to be de novo. ClinVar contains an entry for this variant (Variation ID: 205914). Advanced modeling of protein sequence and biophysical properties (such as structural, functional, and spatial information, amino acid conservation, physicochemical variation, residue mobility, and thermodynamic stability) performed at Invitae indicates that this missense variant is expected to disrupt KCNQ2 protein function. For these reasons, this variant has been classified as Pathogenic.

GeneReviews
No classification provided. Condition: Developmental and epileptic encephalopathy, 7. Review status: no classification provided. Collection method: literature only. Allele origin: germline. Affected: yes. Not counted in ClinVar's aggregate classification.
Comment: EE (epileptic encephalopathy)

Literature cited by the submitters: PubMed 24107868 (cited by Labcorp Genetics (formerly Invitae), Labcorp and GeneReviews); NCBI Bookshelf NBK32534 (cited by GeneReviews).